The following is an entry in ClinVar:

NM_001080414.4(CCDC88C):c.891+8G>A

Gene: CCDC88C (coiled-coil and HOOK domain protein 88C; minus strand). Cytogenetic location: 14q32.11.
Variant type: single nucleotide variant.
Coding change: c.891+8G>A on transcript NM_001080414.4 (MANE Select); 8 bases into the intron after coding-DNA position 891, G replaced by A.
Molecular consequence: intron variant.
Genome position (GRCh38, 1-based): chr14:91,338,481, C>T on the plus strand (G>A on the coding strand, the complement: CCDC88C is on the minus strand). VCF-style: chr14-91338481-C-T. GRCh37 (hg19) VCF-style: chr14-91804825-C-T.
Identifiers: ClinVar variation 786623 (VCV000786623.17), dbSNP rs11851272, ClinGen allele CA7310077.
Genomic context (GRCh38, chr14:91,338,481, plus strand): 5'-CAGGCCCCGTTACTGGACACTCCAGCCCTGCTACCCCCAGGACACACAGGCTCAGGCCCC[C>T]GACTCACCTCCTGCTTAACTTTCTGCAGTTCCAGCACCAGCTGGTCCACCTCATGTCTGG-3'

ClinVar aggregate classification (germline): Benign. Review status: criteria provided, multiple submitters, no conflicts (2 of 4 stars). 4 submissions from 4 submitters: Benign (2). 2 of the submissions do not count toward it. Last evaluated 2026-01-28.

Allele frequency attached by ClinVar (database versions not stated): gnomAD exomes 0.00062; ExAC 0.00143; ESP Exome Variant Server 0.00298; gnomAD 0.00313 and 0.00323; TOPMed 0.00344; 1000 Genomes Project 30x 0.00375; 1000 Genomes Project 0.00379.
gnomAD v4.1: 913 of 1,559,574 alleles (0.059%); highest among the groups gnomAD compares: African/African-American, 1.1%; 14 homozygotes.

Submissions (4):

Labcorp Genetics (formerly Invitae), Labcorp
Classification: Benign. Last evaluated: 2026-01-28. Review status: criteria provided, single submitter. Criteria: Invitae Variant Classification Sherloc (09022015). Collection method: clinical testing. Allele origin: germline.

CeGaT Center for Human Genetics Tuebingen
Classification: Benign. Last evaluated: 2025-11-01. Review status: criteria provided, single submitter. Criteria: CeGaT Center For Human Genetics Tuebingen Variant Classification Criteria Version 2. Collection method: clinical testing. Allele origin: germline. Affected: yes. Observed: 1 variant allele.
Comment: CCDC88C: BP4, BS1, BS2

Clinical Genetics DNA and cytogenetics Diagnostics Lab, Erasmus MC, Erasmus Medical Center
Classification: Likely benign. Review status: no assertion criteria provided. Collection method: clinical testing. Allele origin: germline. Affected: yes. Study: VKGL Data-share Consensus. Not counted in ClinVar's aggregate classification.

Laboratory of Diagnostic Genome Analysis, Leiden University Medical Center (LUMC)
Classification: Likely benign. Review status: no assertion criteria provided. Collection method: clinical testing. Allele origin: germline. Affected: yes. Study: VKGL Data-share Consensus. Not counted in ClinVar's aggregate classification.